The following is an entry in ClinVar:

ClinVar aggregate classification (germline): Likely pathogenic (1 of 4 stars; one submission).

Conditions:
Alzheimer disease 3 (AD3). Also called: ALZHEIMER DISEASE, FAMILIAL, 3. Identifiers: Orphanet 1020, MedGen C1843013, MONDO:0011913, OMIM 607822.
Acne inversa, familial, 3 (ACNINV3). Identifiers: MedGen C3151038, MONDO:0013398, OMIM 613737.
Frontotemporal dementia (FTD1). Also called: WILHELMSEN-LYNCH DISEASE; FRONTOTEMPORAL DEMENTIA WITH PARKINSONISM; FRONTOTEMPORAL LOBE DEMENTIA; MULTIPLE SYSTEM TAUOPATHY WITH PRESENILE DEMENTIA; Frontotemporal lobe dementia (FLDEM); FRONTOTEMPORAL LOBAR DEGENERATION WITH TAU INCLUSIONS. Identifiers: Orphanet 282, MedGen C0338451, MONDO:0017276, OMIM 600274, HP:0002145.
Pick disease. Also called: PICK DISEASE OF BRAIN; LOBAR ATROPHY OF BRAIN; DEMENTIA WITH LOBAR ATROPHY AND NEURONAL CYTOPLASMIC INCLUSIONS; Pick's disease; Pick Disease of the Brain. Identifiers: Orphanet 282, MedGen C0236642, MONDO:0008243, OMIM 172700.

Submission:

Labcorp Genetics (formerly Invitae), Labcorp
Classification: Likely pathogenic for Alzheimer disease 3; Pick disease; Acne inversa, familial, 3; Frontotemporal dementia. Last evaluated: 2022-07-19. Review status: criteria provided, single submitter. Criteria: Invitae Variant Classification Sherloc (09022015). Collection method: clinical testing. Allele origin: germline.
Comment: In summary, the currently available evidence indicates that the variant is pathogenic, but additional data are needed to prove that conclusively. Therefore, this variant has been classified as Likely Pathogenic. Advanced modeling of protein sequence and biophysical properties (such as structural, functional, and spatial information, amino acid conservation, physicochemical variation, residue mobility, and thermodynamic stability) performed at Invitae indicates that this missense variant is expected to disrupt PSEN1 protein function. ClinVar contains an entry for this variant (Variation ID: 957406). This missense change has been observed in individuals with early-onset Alzheimer's disease (PMID: 30822634; Invitae). This variant is not present in population databases (gnomAD no frequency). This sequence change replaces valine, which is neutral and non-polar, with glycine, which is neutral and non-polar, at codon 103 of the PSEN1 protein (p.Val103Gly).

Literature cited by the submitters: PubMed 30822634.

NM_000021.4(PSEN1):c.308T>G (p.Val103Gly)

Gene: PSEN1 (presenilin 1; plus strand). Cytogenetic location: 14q24.2.
Variant type: single nucleotide variant.
Coding change: c.308T>G on transcript NM_000021.4 (MANE Select); coding-DNA position 308, T replaced by G.
Protein change: p.Val103Gly; replaces valine 103 with glycine.
Molecular consequence: missense variant.
Genome position (GRCh38, 1-based): chr14:73,171,017, T>G. VCF-style: chr14-73171017-T-G. GRCh37 (hg19) VCF-style: chr14-73637725-T-G.
Other names: c.296T>G, p.Val99Gly (NM_007318.3); short protein forms V99G, V103G.
Identifiers: ClinVar variation 957406 (VCV000957406.10), dbSNP rs1897876766, ClinGen allele CA390303543.